The following is an entry in ClinVar:

NM_001080779.2(MYO1C):c.1241C>T (p.Thr414Ile)

Gene: MYO1C (myosin IC; minus strand). Cytogenetic location: 17p13.3.
Variant type: single nucleotide variant.
Coding change: c.1241C>T on transcript NM_001080779.2 (MANE Select); coding-DNA position 1241, C replaced by T.
Protein change: p.Thr414Ile; replaces threonine 414 with isoleucine.
Molecular consequence: missense variant.
Genome position (GRCh38, 1-based): chr17:1,478,464, G>A on the plus strand (C>T on the coding strand, the complement: MYO1C is on the minus strand). VCF-style: chr17-1478464-G-A. GRCh37 (hg19) VCF-style: chr17-1381758-G-A.
Other names: c.1184C>T, p.Thr395Ile (NM_001080950.2); c.1169C>T, p.Thr390Ile (NM_001363855.1); c.1136C>T, p.Thr379Ile (NM_033375.5); short protein forms T390I, T395I, T414I, T379I.
Identifiers: ClinVar variation 683969 (VCV000683969.6), dbSNP rs143802377, ClinGen allele CA8267618.

ClinVar aggregate classification (germline): Conflicting classifications of pathogenicity. Review status: criteria provided, conflicting classifications (1 of 4 stars). 3 submissions from 3 submitters: Uncertain significance (1); Likely benign (1). 1 of the submissions does not count toward it. Last evaluated 2021-06-18.

Conditions:
MYO1C-related disorder. Also called: MYO1C-related condition.

Allele frequency attached by ClinVar (database versions not stated): 1000 Genomes Project 30x 0.00016; 1000 Genomes Project 0.00020; TOPMed 0.00078; ExAC 0.00082; gnomAD exomes 0.00090 and 0.00107; gnomAD 0.00091; ESP Exome Variant Server 0.00092.
gnomAD v4.1: 1,699 of 1,614,194 alleles (0.11%); highest among the groups gnomAD compares: Non-Finnish European, 0.12%; 3 homozygotes.

Submissions (3):

Ambry Genetics
Classification: Uncertain significance. Last evaluated: 2021-06-18. Review status: criteria provided, single submitter. Criteria: Ambry Variant Classification Scheme 2023. Collection method: clinical testing. Allele origin: germline.

GeneDx
Classification: Likely benign. Last evaluated: 2018-06-05. Review status: criteria provided, single submitter. Criteria: GeneDx Variant Classification (06012015). Collection method: clinical testing. Allele origin: germline. Affected: yes.
Comment: This variant is considered likely benign or benign based on one or more of the following criteria: it is a conservative change, it occurs at a poorly conserved position in the protein, it is predicted to be benign by multiple in silico algorithms, and/or has population frequency not consistent with disease.

PreventionGenetics, part of Exact Sciences
Classification: Likely benign for MYO1C-related condition. Last evaluated: 2022-06-22. Review status: no assertion criteria provided. Collection method: clinical testing. Allele origin: germline. Not counted in ClinVar's aggregate classification.
Comment: This variant is classified as likely benign based on ACMG/AMP sequence variant interpretation guidelines (Richards et al. 2015 PMID: 25741868, with internal and published modifications).